The following is an entry in ClinVar:

ClinVar aggregate classification (germline): Pathogenic (3 of 4 stars; one submission).

Conditions:
Lynch syndrome. Identifiers: Orphanet 144, MedGen C4552100, MONDO:0005835. Disease mechanism: loss of function.

Submission:

International Society for Gastrointestinal Hereditary Tumours (InSiGHT)
Classification: Pathogenic for Lynch Syndrome. Last evaluated: 2013-09-05. Review status: reviewed by expert panel. Criteria: Guidelines v1.9. Collection method: research. Allele origin: germline.
Comment: Coding sequence variation resulting in a stop codon

Classified with v1.9 guidelines

NM_000179.3(MSH6):c.738_739insT (p.Lys247Ter)

Gene: MSH6 (mutS homolog 6; plus strand). Cytogenetic location: 2p16.3.
Variant type: Insertion.
Coding change: c.738_739insT on transcript NM_000179.3 (MANE Select); coding-DNA positions 738 to 739, T inserted.
Protein change: p.Lys247Ter; replaces lysine 247 with a stop codon.
Molecular consequence: nonsense. On other transcripts: 5 prime UTR variant (2).
Genome position: GRCh38 VCF-style: chr2-47798721-A-AT. GRCh37 (hg19) VCF-style: chr2-48025860-A-AT.
Other names: c.348_349insT, p.Lys117Ter (NM_001281492.2); c.-169_-168insT (NM_001281493.2, NM_001281494.2); short protein forms K117*, K247*.
Identifiers: ClinVar variation 89561 (VCV000089561.2), dbSNP rs587779320, ClinGen allele CA016360.